The following is an entry in ClinVar:

NM_004820.5(CYP7B1):c.623TTA[1] (p.Ile209del)

Gene: CYP7B1 (cytochrome P450 family 7 subfamily B member 1; minus strand). Cytogenetic location: 8q12.3.
Variant type: Microsatellite.
Coding change: c.623TTA[1] on transcript NM_004820.5 (MANE Select); one copy of the 3-base unit TTA starting at c.623; the reference has two copies in a row; one copy, 3 bases deleted.
Protein change: p.Ile209del; deletes isoleucine 209.
Molecular consequence: inframe deletion.
Genome position (GRCh38, 1-based): chr8:64,615,913-64,615,915, TAA deleted on the plus strand (TTA on the coding strand, the reverse complement: CYP7B1 is on the minus strand); deleting any 3 consecutive bases within chr8:64,615,913-64,615,918 gives the same sequence; the position shown is the placement nearest the transcript's 3' end. VCF-style (leftmost placement, unchanged base first): chr8-64615912-CTAA-C. GRCh37 (hg19) VCF-style: chr8-65528469-CTAA-C.
Other names: c.623TTA[1], p.Ile209del (NM_001324112.2); short protein forms I209del.
Identifiers: ClinVar variation 5000788 (VCV005000788.1).

ClinVar aggregate classification (germline): Uncertain significance (1 of 4 stars; one submission).

Conditions:
CYP7B1-related disorder. Also called: CYP7B1-related condition.

Submission:

PreventionGenetics, part of Exact Sciences
Classification: Uncertain significance for CYP7B1-related condition. Last evaluated: 2025-05-28. Review status: criteria provided, single submitter. Criteria: ACMG Guidelines, 2015. Collection method: clinical testing. Allele origin: germline.
Comment: The CYP7B1 c.626_628delTTA variant is predicted to result in an in-frame deletion (p.Ile209del). To our knowledge, this variant has not been reported in the literature or in a large population database (gnomAD), indicating this variant is rare. At this time, the clinical significance of this variant is uncertain due to the absence of conclusive functional and genetic evidence.